The following is an entry in ClinVar:

ClinVar aggregate classification (germline): Pathogenic/Likely pathogenic. Review status: criteria provided, multiple submitters, no conflicts (2 of 4 stars). 2 submissions from 2 submitters: Pathogenic (1); Likely pathogenic (1). Last evaluated 2021-06-28.

Conditions:
RAD51C-related disorder. Also called: RAD51C-related disorders; RAD51C-related condition.
Fanconi anemia complementation group O. Also called: RAD51C-Related Fanconi Anemia. Identifiers: Orphanet 84, MedGen C3150653, MONDO:0013248, OMIM 613390.

Submissions (2):

Labcorp Genetics (formerly Invitae), Labcorp
Classification: Pathogenic for Fanconi anemia complementation group O. Last evaluated: 2021-06-28. Review status: criteria provided, single submitter. Criteria: Invitae Variant Classification Sherloc (09022015). Collection method: clinical testing. Allele origin: germline.
Comment: For these reasons, this variant has been classified as Pathogenic. This sequence change creates a premature translational stop signal (p.Ser231*) in the RAD51C gene. It is expected to result in an absent or disrupted protein product. Loss-of-function variants in RAD51C are known to be pathogenic (PMID: 20400964, 21990120, 24800917). This variant is not present in population databases (ExAC no frequency). This nonsense change has been observed in individual(s) with breast and/or ovarian cancer (PMID: 24549055).

Blueprint Genetics
Classification: Likely pathogenic for RAD51C-related disorders. Last evaluated: 2020-11-09. Review status: criteria provided, single submitter. Criteria: ACMG Guidelines, 2015. Collection method: clinical testing. Allele origin: germline. Affected: yes. Observed: 2 variant alleles.

Literature cited by the submitters: PubMed 20400964 (cited by Labcorp Genetics (formerly Invitae), Labcorp); PubMed 21990120 (cited by Labcorp Genetics (formerly Invitae), Labcorp); PubMed 24800917 (cited by Labcorp Genetics (formerly Invitae), Labcorp); PubMed 24549055 (cited by Labcorp Genetics (formerly Invitae), Labcorp).

NM_058216.3(RAD51C):c.692del (p.Leu230_Ser231insTer)

Genes: RAD51C (RAD51 paralog C; plus strand), LOC129390903 (MPRA-validated peak2919 silencer; plus strand). Cytogenetic location: 17q22.
Variant type: Deletion.
Coding change: c.692del on transcript NM_058216.3 (MANE Select); coding-DNA position 692, one base deleted (C; older notation c.692delC).
Protein change: p.Leu230_Ser231insTer.
Molecular consequence: nonsense. On other transcripts: non-coding transcript variant (1).
Genome position (GRCh38, 1-based): chr17:58,703,316, C deleted. VCF-style (leftmost placement, unchanged base first): chr17-58703315-TC-T. GRCh37 (hg19) VCF-style: chr17-56780676-TC-T.
Identifiers: ClinVar variation 1439892 (VCV001439892.9), dbSNP rs2143801795, ClinGen allele CA2573154400.